The following is an entry in ClinVar:

NM_004459.7(BPTF):c.8043_8045dup (p.Leu2682_Ser2683insLeu)

Gene: BPTF (bromodomain PHD finger transcription factor; plus strand). Cytogenetic location: 17q24.2.
Variant type: Duplication.
Coding change: c.8043_8045dup on transcript NM_004459.7; coding-DNA positions 8043 to 8045, 3 bases duplicated (TCT; older notation c.8043_8045dupTCT).
Protein change: p.Leu2682_Ser2683insLeu.
Genome position (GRCh38, 1-based): chr17:67,959,708-67,959,710, TCT duplicated; duplicating any 3 consecutive bases within chr17:67,959,706-67,959,710 gives the same sequence; the c. name uses the placement nearest the transcript's 3' end. VCF-style (leftmost placement, unchanged base first): chr17-67959705-C-CCTT. GRCh37 (hg19) VCF-style: chr17-65955821-C-CCTT.
Other names: c.8094_8096dup, p.Leu2699_Ser2700insLeu (NM_182641.4).
Identifiers: ClinVar variation 1691789 (VCV001691789.2), dbSNP rs2148299684, ClinGen allele CA2573154755.

ClinVar aggregate classification (germline): Uncertain significance (1 of 4 stars; one submission).

Submission:

GeneDx
Classification: Uncertain significance. Last evaluated: 2021-12-20. Review status: criteria provided, single submitter. Criteria: GeneDx Variant Classification Process June 2021. Collection method: clinical testing. Allele origin: germline. Affected: yes.
Comment: Not observed at significant frequency in large population cohorts (gnomAD); Has not been previously published as pathogenic or benign to our knowledge